The following is an entry in ClinVar:

ClinVar aggregate classification (germline): Pathogenic/Likely pathogenic. Review status: criteria provided, multiple submitters, no conflicts (2 of 4 stars). 2 submissions from 2 submitters: Pathogenic (1); Likely pathogenic (1). Last evaluated 2025-10-14.

Conditions:
SMAD3-related disorder. Also called: SMAD3-related condition.
Familial thoracic aortic aneurysm and aortic dissection (TAAD). Also called: Thoracic aortic aneurysms and dissections. Identifiers: Orphanet 91387, MedGen C4707243, MONDO:0019625.

Submissions (2):

PreventionGenetics, part of Exact Sciences
Classification: Likely pathogenic for SMAD3-related condition. Last evaluated: 2025-10-14. Review status: criteria provided, single submitter. Criteria: ACMG Guidelines, 2015. Collection method: clinical testing. Allele origin: germline.
Comment: The SMAD3 c.381C>A variant is predicted to result in premature protein termination (p.Tyr127*). To our knowledge, this variant has not been reported in the literature or in a large population database (gnomAD), indicating this variant is rare. Nonsense variants in SMAD3 are expected to be pathogenic. This variant is interpreted as likely pathogenic.

Ambry Genetics
Classification: Pathogenic for Familial thoracic aortic aneurysm and aortic dissection. Last evaluated: 2019-07-30. Review status: criteria provided, single submitter. Criteria: Ambry Variant Classification Scheme 2023. Collection method: clinical testing. Allele origin: germline.
Comment: The p.Y127* pathogenic mutation (also known as c.381C>A), located in coding exon 2 of the SMAD3 gene, results from a C to A substitution at nucleotide position 381. This changes the amino acid from a tyrosine to a stop codon within coding exon 2. This alteration is expected to result in loss of function by premature protein truncation or nonsense-mediated mRNA decay. As such, this alteration is interpreted as a disease-causing mutation.

NM_005902.4(SMAD3):c.381C>A (p.Tyr127Ter)

Gene: SMAD3 (SMAD family member 3; plus strand). Cytogenetic location: 15q22.33.
Variant type: single nucleotide variant.
Coding change: c.381C>A on transcript NM_005902.4 (MANE Select); coding-DNA position 381, C replaced by A.
Protein change: p.Tyr127Ter; replaces tyrosine 127 with a stop codon.
Molecular consequence: nonsense.
Genome position (GRCh38, 1-based): chr15:67,165,069, C>A. VCF-style: chr15-67165069-C-A. GRCh37 (hg19) VCF-style: chr15-67457407-C-A.
Other names: c.66C>A, p.Tyr22Ter (NM_001145102.2, NM_001407015.1, NM_001407016.1); c.249C>A, p.Tyr83Ter (NM_001145103.2); c.381C>A, p.Tyr127Ter (NM_001407011.1, NM_001407012.1, NM_001407013.1); c.234C>A, p.Tyr78Ter (NM_001407014.1); short protein forms Y78*, Y22*, Y83*, Y127*.
Identifiers: ClinVar variation 1735230 (VCV001735230.3), dbSNP rs886038971, ClinGen allele CA392954173.